The following is an entry in ClinVar:

ClinVar aggregate classification (germline): Uncertain significance (1 of 4 stars; one submission).

Submission:

Labcorp Genetics (formerly Invitae), Labcorp
Classification: Uncertain significance. Last evaluated: 2025-10-13. Review status: criteria provided, single submitter. Criteria: Invitae Variant Classification Sherloc (09022015). Collection method: clinical testing. Allele origin: germline.
Comment: This sequence change replaces leucine, which is neutral and non-polar, with methionine, which is neutral and non-polar, at codon 353 of the HNF4A protein (p.Leu353Met). This variant is not present in population databases (gnomAD no frequency). This variant has not been reported in the literature in individuals affected with HNF4A-related conditions. Invitae Evidence Modeling of protein sequence and biophysical properties (such as structural, functional, and spatial information, amino acid conservation, physicochemical variation, residue mobility, and thermodynamic stability) has been performed for this missense variant. However, the output from this modeling did not meet the statistical confidence thresholds required to predict the impact of this variant on HNF4A protein function. In summary, the available evidence is currently insufficient to determine the role of this variant in disease. Therefore, it has been classified as a Variant of Uncertain Significance.

NM_175914.5(HNF4A):c.1057C>A (p.Leu353Met)

Gene: HNF4A (hepatocyte nuclear factor 4 alpha; plus strand). Cytogenetic location: 20q13.12.
Variant type: single nucleotide variant.
Coding change: c.1057C>A on transcript NM_175914.5 (MANE Select); coding-DNA position 1057, C replaced by A.
Protein change: p.Leu353Met; replaces leucine 353 with methionine.
Molecular consequence: missense variant.
Genome position (GRCh38, 1-based): chr20:44,424,248, C>A. VCF-style: chr20-44424248-C-A. GRCh37 (hg19) VCF-style: chr20-43052888-C-A.
Other names: c.1123C>A, p.Leu375Met (NM_000457.6, NM_178849.3, NM_178850.3); c.1057C>A, p.Leu353Met (NM_001030003.3, NM_001030004.3); c.1102C>A, p.Leu368Met (NM_001258355.2); c.1048C>A, p.Leu350Met (NM_001287182.2, NM_001287183.2, NM_001287184.2); short protein forms L368M, L353M, L350M, L375M.
Identifiers: ClinVar variation 4721740 (VCV004721740.1).